The following is an entry in ClinVar:

NM_031308.4(EPPK1):c.4179G>A (p.Leu1393=)

Gene: EPPK1 (epiplakin 1; minus strand). Cytogenetic location: 8q24.3.
Variant type: single nucleotide variant.
Coding change: c.4179G>A on transcript NM_031308.4 (MANE Select); coding-DNA position 4179, G replaced by A.
Protein change: p.Leu1393=; no amino-acid change (leucine 1393 retained).
Molecular consequence: synonymous variant.
Genome position (GRCh38, 1-based): chr8:143,869,075, C>T on the plus strand (G>A on the coding strand, the complement: EPPK1 is on the minus strand). VCF-style: chr8-143869075-C-T. GRCh37 (hg19) VCF-style: chr8-144943243-C-T.
Identifiers: ClinVar variation 2658934 (VCV002658934.25), dbSNP rs185094602, ClinGen allele CA4922574.
Genomic context (GRCh38, chr8:143,869,075, plus strand): 5'-GGTCACCTGGTCCCGCGCACTGGGGTCAAAGAAGAACTTGTTGTCCTTGTCAACTGCAGT[C>T]AGCACCTGGCTCGTCTGTGTGTCCAGAAGGCCGAGTCTGCAGGCTGCCGCCTGGGGCAGG-3'
Protein context (NP_112598.3, residues 1383-1403): GLLDTQTSQV[Leu1393=]TAVDKDNKFF

ClinVar aggregate classification (germline): Likely benign. Review status: criteria provided, single submitter (1 of 4 stars). 2 submissions from 2 submitters: Likely benign (1). 1 of the submissions does not count toward it. Last evaluated 2022-08-01.

Conditions:
EPPK1-related disorder. Also called: EPPK1-related condition.

Allele frequency attached by ClinVar (database versions not stated): 1000 Genomes Project 0.00040; 1000 Genomes Project 30x 0.00047; TOPMed 0.00064; gnomAD 0.00068; ExAC 0.00083; ESP Exome Variant Server 0.00093.
gnomAD v4.1: 1,247 of 1,608,298 alleles (0.078%); highest among the groups gnomAD compares: Middle Eastern, 0.79%; 1 homozygote.

Submissions (2):

CeGaT Center for Human Genetics Tuebingen
Classification: Likely benign. Last evaluated: 2022-08-01. Review status: criteria provided, single submitter. Criteria: CeGaT Center For Human Genetics Tuebingen Variant Classification Criteria Version 2. Collection method: clinical testing. Allele origin: germline. Affected: yes. Observed: 1 variant allele.
Comment: EPPK1: BP4, BP7

PreventionGenetics, part of Exact Sciences
Classification: Likely benign for EPPK1-related condition. Last evaluated: 2021-04-27. Review status: no assertion criteria provided. Collection method: clinical testing. Allele origin: germline. Not counted in ClinVar's aggregate classification.
Comment: This variant is classified as likely benign based on ACMG/AMP sequence variant interpretation guidelines (Richards et al. 2015 PMID: 25741868, with internal and published modifications).